The following is an entry in ClinVar:

NM_000091.5(COL4A3):c.688-6C>A

Genes: COL4A3 (collagen type IV alpha 3 chain; plus strand), MFF-DT (MFF divergent transcript; minus strand). Cytogenetic location: 2q36.3.
Variant type: single nucleotide variant.
Coding change: c.688-6C>A on transcript NM_000091.5 (MANE Select); 6 bases into the intron before coding-DNA position 688, C replaced by A.
Molecular consequence: intron variant.
Genome position (GRCh38, 1-based): chr2:227,253,555, C>A. VCF-style: chr2-227253555-C-A. GRCh37 (hg19) VCF-style: chr2-228118271-C-A.
Identifiers: ClinVar variation 1625159 (VCV001625159.10), dbSNP rs778234156, ClinGen allele CA2544227693.

ClinVar aggregate classification (germline): Conflicting classifications of pathogenicity. Review status: criteria provided, conflicting classifications (1 of 4 stars). 2 submissions from 2 submitters: Uncertain significance (1); Likely benign (1). Last evaluated 2026-08-01.

gnomAD v4.1: 6 of 1,612,512 alleles (0.00037%); highest among the groups gnomAD compares: Non-Finnish European, 0.00051%; no homozygotes.

Submissions (2):

CeGaT Center for Human Genetics Tuebingen
Classification: Uncertain significance. Last evaluated: 2026-08-01. Review status: criteria provided, single submitter. Criteria: CeGaT Center For Human Genetics Tuebingen Variant Classification Criteria Version 2. Collection method: clinical testing. Allele origin: germline. Affected: yes. Observed: 1 variant allele.
Comment: COL4A3: PM2, BP4

Labcorp Genetics (formerly Invitae), Labcorp
Classification: Likely benign. Last evaluated: 2023-10-28. Review status: criteria provided, single submitter. Criteria: Invitae Variant Classification Sherloc (09022015). Collection method: clinical testing. Allele origin: germline.